The following is an entry in ClinVar:

NM_000059.4(BRCA2):c.4478A>G (p.Glu1493Gly)

Gene: BRCA2 (BRCA2 DNA repair associated; plus strand). Cytogenetic location: 13q13.1.
Variant type: single nucleotide variant.
Coding change: c.4478A>G on transcript NM_000059.4 (MANE Select); coding-DNA position 4478, A replaced by G.
Protein change: p.Glu1493Gly; replaces glutamic acid 1493 with glycine.
Molecular consequence: missense variant.
Genome position (GRCh38, 1-based): chr13:32,338,833, A>G. VCF-style: chr13-32338833-A-G. GRCh37 (hg19) VCF-style: chr13-32912970-A-G.
Other names: short protein forms E1493G.
Identifiers: ClinVar variation 126045 (VCV000126045.31), dbSNP rs80358679, ClinGen allele CA020265.
Genomic context (GRCh38, chr13:32,338,833, plus strand): 5'-ACAAAATGGACATTCTAAGTTATGAGGAAACAGACATAGTTAAACACAAAATACTGAAAG[A>G]AAGTGTCCCAGTTGGTACTGGAAATCAACTAGTGACCTTCCAGGGACAACCCGAACGTGA-3'
Protein context (NP_000050.3, residues 1483-1503): TDIVKHKILK[Glu1493Gly]SVPVGTGNQL

ClinVar aggregate classification (germline): Conflicting classifications of pathogenicity. Review status: criteria provided, conflicting classifications (1 of 4 stars). 12 submissions from 12 submitters: Uncertain significance (7); Benign (1); Likely benign (2). 2 of the submissions do not count toward it. Last evaluated 2025-12-23.

Conditions:
BRCA2-related disorder. Also called: BRCA2-related condition; BRCA2-related disorders. Identifiers: MedGen CN239275.
BRCA2-related cancer predisposition. Identifiers: MedGen CN377758, MONDO:0700269.
Wilms tumor 1 (WT1). Also called: Wilms tumor, somatic. Identifiers: Orphanet 654, MedGen CN033288, MONDO:0008679, OMIM 194070.
Prostate cancer. Also called: Malignant tumor of prostate. Identifiers: Orphanet 1331, MedGen C0376358, MONDO:0008315, HP:0012125.
Familial cancer of breast. Also called: BREAST CANCER, FAMILIAL; Hereditary breast cancer; hereditary breast carcinoma. Identifiers: Orphanet 227535, MedGen C0346153, MONDO:0016419, OMIM 114480. Disease mechanism: loss of function.
Fanconi anemia complementation group D1. Also called: BRCA2-Related Fanconi Anemia. Identifiers: Orphanet 319462, MedGen C1838457, MONDO:0011584, OMIM 605724.
Medulloblastoma (MDB). Also called: Medulloblastoma, somatic; MEDULLOBLASTOMA PREDISPOSITION SYNDROME. Identifiers: Orphanet 616, MedGen C0025149, MeSH D008527, MONDO:0007959, OMIM 155255, HP:0002885.
Breast-ovarian cancer, familial, susceptibility to, 2 (BROVCA2). Also called: BRCA2 Hereditary Breast and Ovarian Cancer. Identifiers: Orphanet 145, MedGen C2675520, MONDO:0012933, OMIM 612555. Disease mechanism: loss of function.
Pancreatic cancer, susceptibility to, 2. Identifiers: Orphanet 1333, MedGen C3150546, MONDO:0013235, OMIM 613347.
Glioma susceptibility 3 (GLM3). Also called: Glioblastoma 3. Identifiers: Orphanet 182067, Orphanet 360, MedGen C2751641, MONDO:0013093, OMIM 613029.
Hereditary cancer-predisposing syndrome. Also called: Hereditary Cancer Syndrome; Tumor predisposition; Hereditary neoplastic syndrome; Neoplastic Syndromes, Hereditary. Identifiers: Orphanet 140162, MedGen C0027672, MeSH D009386, MONDO:0015356.
Hereditary breast ovarian cancer syndrome. Also called: Hereditary breast and/or ovarian cancer syndrome; Hereditary breast and ovarian cancer syndrome; Hereditary breast and ovarian cancer syndrome (HBOC); Hereditary breast and ovarian cancer; Breast and ovarian cancer; BRCA1- and BRCA2-Associated Hereditary Breast and Ovarian Cancer. Identifiers: Orphanet 145, MedGen C0677776, MeSH D061325, MONDO:0003582. Disease mechanism: loss of function.

Allele frequency attached by ClinVar (database versions not stated): TOPMed 0.00004; gnomAD 0.00001.
gnomAD v4.1: 2 of 1,613,788 alleles (0.00012%); highest among the groups gnomAD compares: African/African-American, 0.0013%; no homozygotes.

Submissions (12):

Labcorp Genetics (formerly Invitae), Labcorp
Classification: Uncertain significance for Hereditary breast ovarian cancer syndrome. Last evaluated: 2025-12-23. Review status: criteria provided, single submitter. Criteria: Invitae Variant Classification Sherloc (09022015). Collection method: clinical testing. Allele origin: germline.
Comment: This sequence change replaces glutamic acid, which is acidic and polar, with glycine, which is neutral and non-polar, at codon 1493 of the BRCA2 protein (p.Glu1493Gly). This variant is present in population databases (rs80358679, gnomAD 0.004%). This variant has not been reported in the literature in individuals affected with BRCA2-related conditions. ClinVar contains an entry for this variant (Variation ID: 126045). Invitae Evidence Modeling of protein sequence and biophysical properties (such as structural, functional, and spatial information, amino acid conservation, physicochemical variation, residue mobility, and thermodynamic stability) indicates that this missense variant is not expected to disrupt BRCA2 protein function with a negative predictive value of 95%. In summary, the available evidence is currently insufficient to determine the role of this variant in disease. Therefore, it has been classified as a Variant of Uncertain Significance.

Women's Health and Genetics/Laboratory Corporation of America, LabCorp
Classification: Uncertain significance. Last evaluated: 2025-08-28. Review status: criteria provided, single submitter. Criteria: LabCorp Variant Classification Summary - May 2015. Collection method: clinical testing. Allele origin: germline.
Comment: Variant summary: BRCA2 c.4478A>G (p.Glu1493Gly) results in a non-conservative amino acid change in the encoded protein sequence. Algorithms developed to predict the effect of missense changes on protein structure and function are either unavailable or do not agree on the potential impact of this missense change. The variant allele was found at a frequency of 5.6e-06 in 357318 control chromosomes. The available data on variant occurrences in the general population are insufficient to allow any conclusion about variant significance. To our knowledge, no occurrence of c.4478A>G in individuals affected with Hereditary Breast And Ovarian Cancer Syndrome and no experimental evidence demonstrating its impact on protein function have been reported. The following publication have been ascertained in the context of this evaluation (PMID: 33471991). ClinVar contains an entry for this variant (Variation ID: 126045). Based on the evidence outlined above, the variant was classified as uncertain significance.

Color Diagnostics, LLC DBA Color Health
Classification: Uncertain significance for Hereditary cancer-predisposing syndrome. Last evaluated: 2025-01-07. Review status: criteria provided, single submitter. Criteria: ACMG Guidelines, 2015. Collection method: clinical testing. Allele origin: germline.
Comment: This missense variant replaces glutamic acid with glycine at codon 1493 of the BRCA2 protein. Computational prediction suggests that this variant may not impact protein structure and function. To our knowledge, functional studies have not been reported for this variant. This variant has been detected in a breast cancer case-control meta-analysis in 0/60466 cases and 1/53461 unaffected individuals (PMID: 33471991; Leiden Open Variation Database DB-ID BRCA2_008219). This variant has been identified in 2/281792 chromosomes in the general population by the Genome Aggregation Database (gnomAD). The available evidence is insufficient to determine the role of this variant in disease conclusively. Therefore, this variant is classified as a Variant of Uncertain Significance.

Ambry Genetics
Classification: Likely benign for Hereditary cancer-predisposing syndrome. Last evaluated: 2024-10-25. Review status: criteria provided, single submitter. Criteria: Ambry Variant Classification Scheme 2023. Collection method: clinical testing. Allele origin: germline.

All of Us Research Program, National Institutes of Health
Classification: Uncertain significance for BRCA2-related cancer predisposition. Last evaluated: 2024-09-12. Review status: criteria provided, single submitter. Criteria: ACMG Guidelines, 2015. Collection method: clinical testing. Allele origin: germline. Inheritance: Autosomal dominant inheritance. Observed: 1 variant allele, 1 heterozygote.
Comment: This study involves interpretation of variants in research participants for the purpose of population health screening. Participant phenotype was not available at the time of variant classification. Additional details can be found in publication PMID: 35346344, PMCID: PMC8962531

Myriad Genetics, Inc.
Classification: Benign for Breast-ovarian cancer, familial, susceptibility to, 2. Last evaluated: 2023-07-13. Review status: criteria provided, single submitter. Criteria: Myriad Autosomal Dominant, Autosomal Recessive and X-Linked Classification Criteria (2023). Collection method: clinical testing. Allele origin: unknown.
Comment: This variant is considered benign. This variant is strongly associated with less severe personal and family histories of cancer, typical for individuals without pathogenic variants in this gene [PMID: 25085752]. This variant has been observed in trans with a known pathogenic variant in one or more individuals lacking clinical features consistent with gene-specific recessive disease.

University of Washington Department of Laboratory Medicine, University of Washington
Classification: Likely benign for Hereditary cancer-predisposing syndrome. Last evaluated: 2023-03-23. Review status: criteria provided, single submitter. Criteria: Dines et al. (Genet Med. 2020). Collection method: curation. Allele origin: germline.
Comment: Missense variant in a coldspot region where missense variants are very unlikely to be pathogenic (PMID:31911673).

BRCA2 exon 11 coldspot. Reclassification based on statistical prior probability.

Quest Diagnostics Nichols Institute San Juan Capistrano
Classification: Uncertain significance. Last evaluated: 2019-07-28. Review status: criteria provided, single submitter. Criteria: Quest Diagnostics criteria. Collection method: clinical testing. Allele origin: germline.

Fulgent Genetics
Classification: Uncertain significance for Familial cancer of breast; Medulloblastoma; Familial prostate cancer; Wilms tumor 1; Fanconi anemia complementation group D1; Breast-ovarian cancer, familial, susceptibility to, 2; Glioma susceptibility 3; Pancreatic cancer, susceptibility to, 2. Last evaluated: 2018-10-31. Review status: criteria provided, single submitter. Criteria: ACMG Guidelines, 2015. Collection method: clinical testing. Allele origin: unknown.

GeneDx
Classification: Uncertain significance. Last evaluated: 2017-09-08. Review status: criteria provided, single submitter. Criteria: GeneDx Variant Classification (06012015). Collection method: clinical testing. Allele origin: germline. Affected: yes.
Comment: This variant is denoted BRCA2 c.4478A>G at the cDNA level, p.Glu1493Gly (E1493G) at the protein level, and results in the change of a Glutamic Acid to a Glycine (GAA>GGA). Using alternate nomenclature, this variant would be defined as BRCA2 4706A>G. This variant has not, to our knowledge, been published in the literature as pathogenic or benign. BRCA2 Glu1493Gly was not observed at a significant allele frequency in large population cohorts (NHLBI Exome Sequencing Project, The 1000 Genomes Consortium 2015, Lek 2016). Since Glutamic Acid and Glycine differ in polarity, charge, size or other properties, this is considered a non-conservative amino acid substitution. BRCA2 Glu1493Gly occurs at a position that is not conserved and is located in the RAD51 and POLH binding domains (Roy 2012, Buisson 2014). In silico analyses are inconsistent regarding the effect this variant may have on protein structure and function. Based on currently available evidence, it is unclear whether BRCA2 Glu1493Gly is a pathogenic or benign variant. We consider it to be a variant of uncertain significance.

PreventionGenetics, part of Exact Sciences
Classification: Uncertain significance for BRCA2-related condition. Last evaluated: 2024-05-23. Review status: no assertion criteria provided. Collection method: clinical testing. Allele origin: germline. Not counted in ClinVar's aggregate classification.
Comment: The BRCA2 c.4478A>G variant is predicted to result in the amino acid substitution p.Glu1493Gly. This variant was reported in a control and not in affected individuals in a breast cancer case-control study (Breast Cancer Association Consortium. 2021. PubMed ID: 33471991). This variant is reported in 0.0040% of alleles in individuals of African descent in gnomAD and has conflicting interpretations of pathogenicity in ClinVar ranging from uncertain to benign. At this time, the clinical significance of this variant is uncertain due to the absence of conclusive functional and genetic evidence.

Breast Cancer Information Core (BIC) (BRCA2)
Classification: Uncertain significance for Breast-ovarian cancer, familial 2. Last evaluated: 2002-05-29. Review status: no assertion criteria provided. Collection method: clinical testing. Allele origin: germline. Affected: yes. Observed: 1 variant allele. Not counted in ClinVar's aggregate classification.

Literature cited by the submitters: PubMed 33471991 (cited by Women's Health and Genetics/Laboratory Corporation of America, LabCorp and Color Diagnostics, LLC DBA Color Health); PubMed 25085752 (cited by Myriad Genetics, Inc.).